The following is an entry in ClinVar:

NM_012452.3(TNFRSF13B):c.513G>A (p.Leu171=)

Gene: TNFRSF13B (TNF receptor superfamily member 13B; minus strand). Cytogenetic location: 17p11.2.
Variant type: single nucleotide variant.
Coding change: c.513G>A on transcript NM_012452.3 (MANE Select); coding-DNA position 513, G replaced by A.
Protein change: p.Leu171=; no amino-acid change (leucine 171 retained).
Molecular consequence: synonymous variant.
Genome position (GRCh38, 1-based): chr17:16,940,444, C>T on the plus strand (G>A on the coding strand, the complement: TNFRSF13B is on the minus strand). VCF-style: chr17-16940444-C-T. GRCh37 (hg19) VCF-style: chr17-16843758-C-T.
Identifiers: ClinVar variation 2647508 (VCV002647508.28), dbSNP rs754435124, ClinGen allele CA8413967.

ClinVar aggregate classification (germline): Likely benign. Review status: criteria provided, multiple submitters, no conflicts (2 of 4 stars). 3 submissions from 3 submitters: Likely benign (3). Last evaluated 2025-06-08.

Conditions:
Immunodeficiency, common variable, 2 (CVID2). Also called: ANTIBODY DEFICIENCY DUE TO TACI DEFECT; HYPOGAMMAGLOBULINEMIA DUE TO TACI DEFICIENCY. Identifiers: Orphanet 1572, MedGen C3150354, MONDO:0009413, OMIM 240500.

Allele frequency attached by ClinVar (database versions not stated): TOPMed 0.00001; ExAC 0.00002; gnomAD 0.00002; gnomAD exomes 0.00002.
gnomAD v4.1: 34 of 1,613,872 alleles (0.0021%); highest among the groups gnomAD compares: Non-Finnish European, 0.0024%; no homozygotes.

Submissions (3):

Labcorp Genetics (formerly Invitae), Labcorp
Classification: Likely benign for Immunodeficiency, common variable, 2. Last evaluated: 2025-06-08. Review status: criteria provided, single submitter. Criteria: Invitae Variant Classification Sherloc (09022015). Collection method: clinical testing. Allele origin: germline.

Blueprint Genetics
Classification: Likely benign. Last evaluated: 2023-08-17. Review status: criteria provided, single submitter. Criteria: ACMG Guidelines, 2015. Collection method: clinical testing. Allele origin: germline.

CeGaT Center for Human Genetics Tuebingen
Classification: Likely benign. Last evaluated: 2023-03-01. Review status: criteria provided, single submitter. Criteria: CeGaT Center For Human Genetics Tuebingen Variant Classification Criteria Version 2. Collection method: clinical testing. Allele origin: germline. Affected: yes. Observed: 1 variant allele.
Comment: TNFRSF13B: BP4, BP7